The following is an entry in ClinVar:

ClinVar aggregate classification (germline): Benign/Likely benign. Review status: criteria provided, multiple submitters, no conflicts (2 of 4 stars). 3 submissions from 3 submitters: Benign (1); Likely benign (2). Last evaluated 2026-06-08.

Conditions:
Pheochromocytoma. Also called: MAX-Related Hereditary Paraganglioma-Pheochromocytoma Syndrome. Identifiers: Orphanet 29072, MedGen C0031511, MONDO:0008233, OMIM 171300, HP:0002666.
Hereditary cancer-predisposing syndrome. Also called: Tumor predisposition; Hereditary Cancer Syndrome; Hereditary neoplastic syndrome; Neoplastic Syndromes, Hereditary. Identifiers: Orphanet 140162, MedGen C0027672, MeSH D009386, MONDO:0015356.
Hereditary pheochromocytoma and paraganglioma. Also called: Hereditary paragangliomas and pheochromocytomas; Hereditary pheochromocytoma-paraganglioma; Hereditary Paraganglioma-Pheochromocytoma Syndromes. Identifiers: Orphanet 29072, MedGen C4274332, MONDO:0017366.

Allele frequency attached by ClinVar (database versions not stated): gnomAD exomes below 0.00001.
gnomAD v4.1: 1 of 1,614,124 alleles (0.000062%); highest among the groups gnomAD compares: Non-Finnish European, 0.000085%; no homozygotes.

Submissions (3):

Myriad Genetics, Inc.
Classification: Benign for Pheochromocytoma. Last evaluated: 2026-06-08. Review status: criteria provided, single submitter. Criteria: Myriad Autosomal Dominant, Autosomal Recessive and X-Linked Classification Criteria (2023). Collection method: clinical testing. Allele origin: unknown.
Comment: This variant is considered benign. This variant is a silent/synonymous amino acid change and it is not expected to impact splicing.

Labcorp Genetics (formerly Invitae), Labcorp
Classification: Likely benign for Hereditary pheochromocytoma and paraganglioma. Last evaluated: 2024-03-20. Review status: criteria provided, single submitter. Criteria: Invitae Variant Classification Sherloc (09022015). Collection method: clinical testing. Allele origin: germline.

Ambry Genetics
Classification: Likely benign for Hereditary cancer-predisposing syndrome. Last evaluated: 2022-05-30. Review status: criteria provided, single submitter. Criteria: Ambry Variant Classification Scheme 2023. Collection method: clinical testing. Allele origin: germline.

NM_002382.5(MAX):c.327C>T (p.Ala109=)

Gene: MAX (MYC associated transcriptional regulator X; minus strand). Cytogenetic location: 14q23.3.
Variant type: single nucleotide variant.
Coding change: c.327C>T on transcript NM_002382.5 (MANE Select); coding-DNA position 327, C replaced by T.
Protein change: p.Ala109=; no amino-acid change (alanine 109 retained).
Molecular consequence: synonymous variant. On other transcripts: 3 prime UTR variant (12), non-coding transcript variant (7), intron variant (2).
Genome position (GRCh38, 1-based): chr14:65,076,632, G>A on the plus strand (C>T on the coding strand, the complement: MAX is on the minus strand). VCF-style: chr14-65076632-G-A. GRCh37 (hg19) VCF-style: chr14-65543350-G-A.
Other names: c.138C>T, p.Ala46= (NM_001320415.2, NM_001407105.1, NM_001407106.1 and 1 more transcripts); c.327C>T, p.Ala109= (NM_001407094.1); c.300C>T, p.Ala100= (NM_001407095.1, NM_145112.3); c.*100C>T (NM_001407096.1, NM_001407099.1, NM_001407102.1 and 2 more transcripts); c.*116C>T (NM_001407097.1, NM_001407100.1, NM_001407101.1 and 4 more transcripts); c.219C>T, p.Ala73= (NM_001407098.1); c.126C>T, p.Ala42= (NM_001407111.1, NM_001407112.1); c.144+17076C>T (NM_001271069.2); and 1 more.
Identifiers: ClinVar variation 771108 (VCV000771108.12), dbSNP rs1595127360, ClinGen allele CA390031891.